The following is an entry in ClinVar:

NM_022124.6(CDH23):c.9198+5C>A

Gene: CDH23 (cadherin related 23; plus strand). Cytogenetic location: 10q22.1.
Variant type: single nucleotide variant.
Coding change: c.9198+5C>A on transcript NM_022124.6 (MANE Select); 5 bases into the intron after coding-DNA position 9198, C replaced by A.
Molecular consequence: intron variant.
Genome position (GRCh38, 1-based): chr10:71,811,440, C>A. VCF-style: chr10-71811440-C-A. GRCh37 (hg19) VCF-style: chr10-73571197-C-A.
Other names: c.2478+5C>A (NM_001171933.1, NM_001171934.1).
Identifiers: ClinVar variation 1381021 (VCV001381021.6), dbSNP rs2133001701, ClinGen allele CA2573145312.

ClinVar aggregate classification (germline): Uncertain significance (1 of 4 stars; one submission).

Submission:

Labcorp Genetics (formerly Invitae), Labcorp
Classification: Uncertain significance. Last evaluated: 2021-09-14. Review status: criteria provided, single submitter. Criteria: Invitae Variant Classification Sherloc (09022015). Collection method: clinical testing. Allele origin: germline.
Comment: This sequence change falls in intron 63 of the CDH23 gene. It does not directly change the encoded amino acid sequence of the CDH23 protein. It affects a nucleotide within the consensus splice site of the intron. This variant is not present in population databases (ExAC no frequency). This variant has not been reported in the literature in individuals affected with CDH23-related conditions. Variants that disrupt the consensus splice site are a relatively common cause of aberrant splicing (PMID: 17576681, 9536098). Algorithms developed to predict the effect of sequence changes on RNA splicing suggest that this variant may disrupt the consensus splice site. In summary, the available evidence is currently insufficient to determine the role of this variant in disease. Therefore, it has been classified as a Variant of Uncertain Significance.

Literature cited by the submitters: PubMed 17576681; PubMed 9536098.